The following is an entry in ClinVar:

ClinVar aggregate classification (germline): Uncertain significance (1 of 4 stars; one submission).

Allele frequency attached by ClinVar (database versions not stated): TOPMed below 0.00001.
gnomAD v4.1: 3 of 1,601,888 alleles (0.00019%); highest among the groups gnomAD compares: Admixed American, 0.0017%; no homozygotes.

Submission:

GeneDx
Classification: Uncertain significance. Last evaluated: 2016-12-30. Review status: criteria provided, single submitter. Criteria: GeneDx Variant Classification (06012015). Collection method: clinical testing. Allele origin: germline. Affected: yes.
Comment: A variant of uncertain significance has been identified in the CACNA1A gene. The D2074N variant has not been published as a pathogenic variant, nor has it been reported as a benign variant to our knowledge. The D2074N variant is not observed in large population cohorts (Lek et al., 2016; 1000 Genomes Consortium et al., 2015; Exome Variant Server). The D2074N variant is a semi-conservative amino acid substitution, which may impact secondary protein structure as these residues differ in some properties. In silico analysis predicts this variant is probably damaging to the protein structure/function. However, this substitution occurs at a position where amino acids with similar properties to Aspartic acid are tolerated across species. Therefore, based on the currently available information, it is unclear whether this variant is a pathogenic variant or a rare benign variant.

NM_001330078.2(NRXN1):c.2893G>T (p.Val965Leu)

Gene: NRXN1 (neurexin 1; minus strand). Cytogenetic location: 2p16.3.
Variant type: single nucleotide variant.
Coding change: c.2893G>T on transcript NM_001330078.2 (MANE Select); coding-DNA position 2893, G replaced by T.
Protein change: p.Val965Leu; replaces valine 965 with leucine.
Molecular consequence: missense variant.
Genome position (GRCh38, 1-based): chr2:50,496,082, C>A on the plus strand (G>T on the coding strand, the complement: NRXN1 is on the minus strand). VCF-style: chr2-50496082-C-A. GRCh37 (hg19) VCF-style: chr2-50723220-C-A.
Other names: c.3013G>T, p.Val1005Leu (NM_001135659.3); c.2869G>T, p.Val957Leu (NM_001330077.2, NM_001330082.2); c.2827G>T, p.Val943Leu (NM_001330083.2, NM_001330084.2); c.2866G>T, p.Val956Leu (NM_001330085.2); c.2893G>T, p.Val965Leu (NM_001330086.2, NM_004801.6); c.2782G>T, p.Val928Leu (NM_001330087.2, NM_001330096.2); c.2812G>T, p.Val938Leu (NM_001330088.2); c.2890G>T, p.Val964Leu (NM_001330093.2); and 2 more; short protein forms V1005L, V943L, V957L, V964L, V965L, V928L, V948L, V956L.
Identifiers: ClinVar variation 392051 (VCV000392051.2), dbSNP rs1057524337, ClinGen allele CA16604217.
Genomic context (GRCh38, chr2:50,496,082, plus strand): 5'-CATTGAGAGGTTTATTTGAGCTTCCTTTGATGAGGTTAGCACCATTTCCCAAATCAAACA[C>A]GTAATGTAAGTACCTGGGAAAAAAATGAAAGAGGGGAAAGTGCCATCACTTTTTAAATTT-3'
Protein context (NP_001317007.1, residues 955-975): VELVKGYLHY[Val965Leu]FDLGNGANLI